The following is an entry in ClinVar:

NM_001035.3(RYR2):c.2404T>C (p.Phe802Leu)

Gene: RYR2 (ryanodine receptor 2; plus strand). Cytogenetic location: 1q43.
Variant type: single nucleotide variant.
Coding change: c.2404T>C on transcript NM_001035.3 (MANE Select); coding-DNA position 2404, T replaced by C.
Protein change: p.Phe802Leu; replaces phenylalanine 802 with leucine.
Molecular consequence: missense variant.
Genome position (GRCh38, 1-based): chr1:237,503,296, T>C. VCF-style: chr1-237503296-T-C. GRCh37 (hg19) VCF-style: chr1-237666596-T-C.
Other names: short protein forms F802L.
Identifiers: ClinVar variation 3385687 (VCV003385687.1).

ClinVar aggregate classification (germline): Uncertain significance (1 of 4 stars; one submission).

Conditions:
Catecholaminergic polymorphic ventricular tachycardia (CVPT). Also called: Catecholamine-induced polymorphic ventricular tachycardia. Identifiers: Orphanet 3286, MedGen C5574922, MONDO:0017990.

Submission:

All of Us Research Program, National Institutes of Health
Classification: Uncertain significance for Catecholaminergic polymorphic ventricular tachycardia. Last evaluated: 2024-08-23. Review status: criteria provided, single submitter. Criteria: ACMG Guidelines, 2015. Collection method: clinical testing. Allele origin: germline. Inheritance: Autosomal dominant inheritance. Observed: 1 variant allele, 1 heterozygote.
Comment: This missense variant replaces phenylalanine with leucine at codon 802 of the RYR2 protein. Computational prediction suggests that this variant may not impact protein structure and function (internally defined REVEL score threshold <= 0.5, PMID: 27666373). To our knowledge, functional studies have not been reported for this variant. This variant has not been reported in individuals affected with RYR2-related disorders in the literature. This variant has not been identified in the general population by the Genome Aggregation Database (gnomAD). The available evidence is insufficient to determine the role of this variant in disease conclusively. Therefore, this variant is classified as a Variant of Uncertain Significance.

This study involves interpretation of variants in research participants for the purpose of population health screening. Participant phenotype was not available at the time of variant classification. Additional details can be found in publication PMID: 35346344, PMCID: PMC8962531